The following is an entry in ClinVar:

NM_016219.5(MAN1B1):c.536A>G (p.Asp179Gly)

Gene: MAN1B1 (mannosidase alpha class 1B member 1; plus strand). Cytogenetic location: 9q34.3.
Variant type: single nucleotide variant.
Coding change: c.536A>G on transcript NM_016219.5 (MANE Select); coding-DNA position 536, A replaced by G.
Protein change: p.Asp179Gly; replaces aspartic acid 179 with glycine.
Molecular consequence: missense variant. On other transcripts: non-coding transcript variant (2).
Genome position (GRCh38, 1-based): chr9:137,096,307, A>G. VCF-style: chr9-137096307-A-G. GRCh37 (hg19) VCF-style: chr9-139990759-A-G.
Other names: short protein forms D179G.
Identifiers: ClinVar variation 1433473 (VCV001433473.4), dbSNP rs2131002949, ClinGen allele CA375642247.

ClinVar aggregate classification (germline): Uncertain significance (1 of 4 stars; one submission).

Conditions:
Rafiq syndrome (RAFQS). Identifiers: Orphanet 88616, MedGen C3280127, MONDO:0013624, OMIM 614202.

Submission:

Labcorp Genetics (formerly Invitae), Labcorp
Classification: Uncertain significance for Rafiq syndrome. Last evaluated: 2024-01-29. Review status: criteria provided, single submitter. Criteria: Invitae Variant Classification Sherloc (09022015). Collection method: clinical testing. Allele origin: germline.
Comment: This sequence change replaces aspartic acid, which is acidic and polar, with glycine, which is neutral and non-polar, at codon 179 of the MAN1B1 protein (p.Asp179Gly). This variant is not present in population databases (gnomAD no frequency). This variant has not been reported in the literature in individuals affected with MAN1B1-related conditions. ClinVar contains an entry for this variant (Variation ID: 1433473). Algorithms developed to predict the effect of missense changes on protein structure and function output the following: SIFT: "Not Available"; PolyPhen-2: "Benign"; Align-GVGD: "Not Available". The glycine amino acid residue is found in multiple mammalian species, which suggests that this missense change does not adversely affect protein function. In summary, the available evidence is currently insufficient to determine the role of this variant in disease. Therefore, it has been classified as a Variant of Uncertain Significance.